The following is an entry in ClinVar:

ClinVar aggregate classification (germline): Uncertain significance (1 of 4 stars; one submission).

Submission:

Labcorp Genetics (formerly Invitae), Labcorp
Classification: Uncertain significance. Last evaluated: 2021-11-14. Review status: criteria provided, single submitter. Criteria: Invitae Variant Classification Sherloc (09022015). Collection method: clinical testing. Allele origin: germline.
Comment: This sequence change replaces leucine, which is neutral and non-polar, with valine, which is neutral and non-polar, at codon 2645 of the PCLO protein (p.Leu2645Val). This variant is not present in population databases (gnomAD no frequency). This variant has not been reported in the literature in individuals affected with PCLO-related conditions. Algorithms developed to predict the effect of missense changes on protein structure and function are either unavailable or do not agree on the potential impact of this missense change (SIFT: "Tolerated"; PolyPhen-2: "Not Available"; Align-GVGD: "Class C0"). In summary, the available evidence is currently insufficient to determine the role of this variant in disease. Therefore, it has been classified as a Variant of Uncertain Significance.

NM_033026.6(PCLO):c.7933T>G (p.Leu2645Val)

Gene: PCLO (piccolo presynaptic cytomatrix protein; minus strand). Cytogenetic location: 7q21.11.
Variant type: single nucleotide variant.
Coding change: c.7933T>G on transcript NM_033026.6 (MANE Select); coding-DNA position 7933, T replaced by G.
Protein change: p.Leu2645Val; replaces leucine 2645 with valine.
Molecular consequence: missense variant.
Genome position (GRCh38, 1-based): chr7:82,953,020, A>C on the plus strand (T>G on the coding strand, the complement: PCLO is on the minus strand). VCF-style: chr7-82953020-A-C. GRCh37 (hg19) VCF-style: chr7-82582336-A-C.
Other names: c.7933T>G, p.Leu2645Val (NM_014510.3); short protein forms L2645V.
Identifiers: ClinVar variation 1351682 (VCV001351682.3), dbSNP rs2116437392, ClinGen allele CA367915232.